The following is an entry in ClinVar:

NM_002878.4(RAD51D):c.88G>T (p.Asp30Tyr)

Genes: RAD51D (RAD51 paralog D; minus strand), RAD51L3-RFFL (RAD51L3-RFFL readthrough; minus strand). Cytogenetic location: 17q12.
Variant type: single nucleotide variant.
Coding change: c.88G>T on transcript NM_002878.4 (MANE Select); coding-DNA position 88, G replaced by T.
Protein change: p.Asp30Tyr; replaces aspartic acid 30 with tyrosine.
Molecular consequence: missense variant. On other transcripts: non-coding transcript variant (2).
Genome position (GRCh38, 1-based): chr17:35,119,167, C>A on the plus strand (G>T on the coding strand, the complement: RAD51D is on the minus strand). VCF-style: chr17-35119167-C-A. GRCh37 (hg19) VCF-style: chr17-33446186-C-A.
Other names: c.88G>T, p.Asp30Tyr (NM_001142571.2, NM_133629.3); short protein forms D30Y.
Identifiers: ClinVar variation 4862949 (VCV004862949.1).

ClinVar aggregate classification (germline): Uncertain significance (1 of 4 stars; one submission).

Conditions:
Hereditary cancer-predisposing syndrome. Also called: Neoplastic Syndromes, Hereditary; Tumor predisposition; Hereditary Cancer Syndrome; Hereditary neoplastic syndrome. Identifiers: Orphanet 140162, MedGen C0027672, MeSH D009386, MONDO:0015356.

gnomAD v4.1: 1 of 1,613,780 alleles (0.000062%); highest among the groups gnomAD compares: East Asian, 0.0022%; no homozygotes.

Submission:

Ambry Genetics
Classification: Uncertain significance for Hereditary cancer-predisposing syndrome. Last evaluated: 2026-04-04. Review status: criteria provided, single submitter. Criteria: Ambry Variant Classification Scheme 2023. Collection method: clinical testing. Allele origin: germline.
Comment: The p.D30Y variant (also known as c.88G>T), located in coding exon 2 of the RAD51D gene, results from a G to T substitution at nucleotide position 88. The aspartic acid at codon 30 is replaced by tyrosine, an amino acid with highly dissimilar properties. This amino acid position is conserved. In addition, this alteration is predicted to be deleterious by in silico analysis. Based on the available evidence, the clinical significance of this variant remains unclear.